The following is an entry in ClinVar:

ClinVar aggregate classification (germline): Pathogenic (1 of 4 stars; one submission).

Conditions:
DICER1-related tumor predisposition. Also called: DICER1-related pleuropulmonary blastoma cancer predisposition syndrome; DICER1 syndrome. Identifiers: Orphanet 284343, MedGen C3839822, MONDO:0100216.

Submission:

Foulkes Cancer Genetics LDI, Lady Davis Institute for Medical Research
Classification: Pathogenic for Pleuropulmonary blastoma. Last evaluated: 2019-07-01. Review status: criteria provided, single submitter. Criteria: ACMG Guidelines, 2015. Collection method: curation. Allele origin: somatic. Affected: yes. Observed: 1 variant allele.
Comment: ACMG criteria met: PVS1, PM2, PP4

Literature cited by the submitters: PubMed 28862265.

NM_177438.3(DICER1):c.4684_4685insC (p.Cys1562fs)

Gene: DICER1 (dicer 1, ribonuclease III; minus strand). Cytogenetic location: 14q32.13.
Variant type: Insertion.
Coding change: c.4684_4685insC on transcript NM_177438.3 (MANE Select); coding-DNA positions 4684 to 4685, C inserted.
Protein change: p.Cys1562fs; shifts the reading frame from cysteine 1562.
Molecular consequence: frameshift variant.
Genome position: GRCh38 VCF-style: chr14-95096235-C-CG. GRCh37 (hg19) VCF-style: chr14-95562572-C-CG.
Other names: c.4684_4685insC, p.Cys1562fs (NM_001195573.1, NM_001271282.3, NM_001291628.2 and 1 more transcripts); short protein forms C1562fs.
Identifiers: ClinVar variation 933117 (VCV000933117.3), dbSNP rs1890320100, ClinGen allele CA1139663698.